The following is an entry in ClinVar:

ClinVar aggregate classification (germline): Pathogenic (1 of 4 stars; one submission).

Conditions:
Hereditary cancer-predisposing syndrome. Also called: Neoplastic Syndromes, Hereditary; Tumor predisposition; Hereditary Cancer Syndrome; Hereditary neoplastic syndrome. Identifiers: Orphanet 140162, MedGen C0027672, MeSH D009386, MONDO:0015356.

Submission:

Ambry Genetics
Classification: Pathogenic for Hereditary cancer-predisposing syndrome. Last evaluated: 2026-03-06. Review status: criteria provided, single submitter. Criteria: Ambry Variant Classification Scheme 2023. Collection method: clinical testing. Allele origin: germline.
Comment: The c.2424_2427delCTCC pathogenic mutation, located in coding exon 14 of the PMS2 gene, results from a deletion of 4 nucleotides at nucleotide positions 2424 to 2427, causing a translational frameshift with a predicted alternate stop codon (p.S809Efs*7). This variant occurs at the 3' terminus of the gene, is not expected to trigger nonsense-mediated mRNA decay, and impacts the last 6% of the protein. However, premature stop codons are typically deleterious in nature and the impacted region is critical for protein function, and a significant portion of the protein is affected (Ambry internal data). This variant is considered to be rare based on population cohorts in the Genome Aggregation Database (gnomAD). Based on the supporting evidence, this variant is interpreted as a disease-causing mutation.

NM_000535.7(PMS2):c.2424_2427del (p.Ser809fs)

Gene: PMS2 (PMS1 homolog 2, mismatch repair system component; minus strand). Cytogenetic location: 7p22.1.
Variant type: Deletion.
Coding change: c.2424_2427del on transcript NM_000535.7 (MANE Select); coding-DNA positions 2424 to 2427, 4 bases deleted (CTCC; older notation c.2424_2427delCTCC).
Protein change: p.Ser809fs; shifts the reading frame from serine 809.
Molecular consequence: frameshift variant. On other transcripts: non-coding transcript variant (1).
Genome position (GRCh38, 1-based): chr7:5,977,606-5,977,609, GGAG deleted on the plus strand (CTCC on the coding strand, the reverse complement: PMS2 is on the minus strand); deleting any 4 consecutive bases within chr7:5,977,606-5,977,610 gives the same sequence; the c. name uses the placement nearest the transcript's 3' end. VCF-style (leftmost placement, unchanged base first): chr7-5977605-TGGAG-T. GRCh37 (hg19) VCF-style: chr7-6017236-TGGAG-T.
Other names: c.1950_1953del, p.Ser651fs (NM_001406901.1, NM_001406902.1); c.1938_1941del, p.Ser647fs (NM_001406903.1); c.1911_1914del, p.Ser638fs (NM_001406904.1, NM_001406905.1); c.1863_1866del, p.Ser622fs (NM_001406906.1, NM_001406907.1, NM_001322010.2); c.1851_1854del, p.Ser618fs (NM_001406908.1, NM_001406909.1, NM_001322013.2); c.1707_1710del, p.Ser570fs (NM_001406910.1); c.1653_1656del, p.Ser552fs (NM_001406911.1); c.1221_1224del, p.Ser408fs (NM_001406912.1); and 21 more; short protein forms S498fs, S570fs, S638fs, S674fs, S697fs, S706fs, S714fs, S753fs.
Identifiers: ClinVar variation 4826895 (VCV004826895.1).
Genomic context (GRCh38, chr7:5,977,605, plus strand): 5'-AAGCTTGAGCAGCTGAGCTGACAGCCAGGCTTTCTTTACTTACCGACTTCCGGCAGGCTC[TGGAG>T]GCAAACATCTGCTTGACTCGGGAAGGCCGGCACATGACCCCAGGGCTGTCGCTCAGCATG-3'